The following is an entry in ClinVar:

ClinVar aggregate classification (germline): Uncertain significance. Review status: criteria provided, multiple submitters, no conflicts (2 of 4 stars). 2 submissions from 2 submitters: Uncertain significance (2). Last evaluated 2025-06-04.

Conditions:
Inborn genetic diseases. Identifiers: MedGen C0950123, MeSH D030342.
Mendelian susceptibility to mycobacterial diseases due to complete IL12RB1 deficiency. Also called: Immunodeficiency 30; IL12RB1 DEFICIENCY. Identifiers: Orphanet 319552, MedGen C4013949, MONDO:0013955, OMIM 614891.

Allele frequency attached by ClinVar (database versions not stated): gnomAD exomes below 0.00001; ExAC 0.00001; gnomAD 0.00001 and 0.00002; TOPMed 0.00001; 1000 Genomes Project 30x 0.00016; 1000 Genomes Project 0.00020.
gnomAD v4.1: 4 of 1,611,064 alleles (0.00025%); highest among the groups gnomAD compares: Admixed American, 0.0033%; no homozygotes.

Submissions (2):

Ambry Genetics
Classification: Uncertain significance for Inborn genetic diseases. Last evaluated: 2025-06-04. Review status: criteria provided, single submitter. Criteria: Ambry Variant Classification Scheme 2023. Collection method: clinical testing. Allele origin: germline.

Labcorp Genetics (formerly Invitae), Labcorp
Classification: Uncertain significance for Mendelian susceptibility to mycobacterial diseases due to complete IL12RB1 deficiency. Last evaluated: 2021-10-11. Review status: criteria provided, single submitter. Criteria: Invitae Variant Classification Sherloc (09022015). Collection method: clinical testing. Allele origin: germline.
Comment: In summary, the available evidence is currently insufficient to determine the role of this variant in disease. Therefore, it has been classified as a Variant of Uncertain Significance. Algorithms developed to predict the effect of missense changes on protein structure and function output the following: SIFT: "Tolerated"; PolyPhen-2: "Benign"; Align-GVGD: "Class C0". The serine amino acid residue is found in multiple mammalian species, which suggests that this missense change does not adversely affect protein function. This variant has not been reported in the literature in individuals affected with IL12RB1-related conditions. This variant is present in population databases (rs528615642, ExAC 0.006%). This sequence change replaces proline with serine at codon 388 of the IL12RB1 protein (p.Pro388Ser). The proline residue is highly conserved and there is a moderate physicochemical difference between proline and serine.

NM_005535.3(IL12RB1):c.1162C>T (p.Pro388Ser)

Gene: IL12RB1 (interleukin 12 receptor subunit beta 1; minus strand). Cytogenetic location: 19p13.11.
Variant type: single nucleotide variant.
Coding change: c.1162C>T on transcript NM_005535.3 (MANE Select); coding-DNA position 1162, C replaced by T.
Protein change: p.Pro388Ser; replaces proline 388 with serine.
Molecular consequence: missense variant.
Genome position (GRCh38, 1-based): chr19:18,069,573, G>A on the plus strand (C>T on the coding strand, the complement: IL12RB1 is on the minus strand). VCF-style: chr19-18069573-G-A. GRCh37 (hg19) VCF-style: chr19-18180383-G-A.
Other names: c.1162C>T, p.Pro388Ser (NM_001290023.2); c.1282C>T, p.Pro428Ser (NM_001290024.2); short protein forms P428S, P388S.
Identifiers: ClinVar variation 1523935 (VCV001523935.7), dbSNP rs528615642, ClinGen allele CA9304944.